The following is an entry in ClinVar:

NM_212482.4(FN1):c.1484G>A (p.Arg495Lys)

Gene: FN1 (fibronectin 1; minus strand). Cytogenetic location: 2q35.
Variant type: single nucleotide variant.
Coding change: c.1484G>A on transcript NM_212482.4 (MANE Select); coding-DNA position 1484, G replaced by A.
Protein change: p.Arg495Lys; replaces arginine 495 with lysine.
Molecular consequence: missense variant.
Genome position (GRCh38, 1-based): chr2:215,422,153, C>T on the plus strand (G>A on the coding strand, the complement: FN1 is on the minus strand). VCF-style: chr2-215422153-C-T. GRCh37 (hg19) VCF-style: chr2-216286876-C-T.
Other names: c.1484G>A, p.Arg495Lys (NM_001306129.2, NM_001306130.2, NM_001306131.2 and 14 more transcripts); short protein forms R495K.
Identifiers: ClinVar variation 3614190 (VCV003614190.2).

ClinVar aggregate classification (germline): Uncertain significance (1 of 4 stars; one submission).

Submission:

Labcorp Genetics (formerly Invitae), Labcorp
Classification: Uncertain significance. Last evaluated: 2024-08-09. Review status: criteria provided, single submitter. Criteria: Invitae Variant Classification Sherloc (09022015). Collection method: clinical testing. Allele origin: germline.
Comment: This sequence change replaces arginine, which is basic and polar, with lysine, which is basic and polar, at codon 495 of the FN1 protein (p.Arg495Lys). This variant is present in population databases (rs756949100, gnomAD 0.003%). This variant has not been reported in the literature in individuals affected with FN1-related conditions. Advanced modeling of protein sequence and biophysical properties (such as structural, functional, and spatial information, amino acid conservation, physicochemical variation, residue mobility, and thermodynamic stability) performed at Invitae indicates that this missense variant is not expected to disrupt FN1 protein function with a negative predictive value of 80%. In summary, the available evidence is currently insufficient to determine the role of this variant in disease. Therefore, it has been classified as a Variant of Uncertain Significance.